The following is an entry in ClinVar:

ClinVar aggregate classification (germline): Uncertain significance. Review status: criteria provided, multiple submitters, no conflicts (2 of 4 stars). 2 submissions from 2 submitters: Uncertain significance (2). Last evaluated 2024-04-22.

Conditions:
Hereditary cancer-predisposing syndrome. Also called: Tumor predisposition; Neoplastic Syndromes, Hereditary; Hereditary Cancer Syndrome; Hereditary neoplastic syndrome. Identifiers: Orphanet 140162, MedGen C0027672, MeSH D009386, MONDO:0015356.
Juvenile polyposis syndrome (JPS). Identifiers: Orphanet 2929, MedGen C0345893, MONDO:0017380, OMIM 174900.

Submissions (2):

Labcorp Genetics (formerly Invitae), Labcorp
Classification: Uncertain significance for Juvenile polyposis syndrome. Last evaluated: 2024-04-22. Review status: criteria provided, single submitter. Criteria: Invitae Variant Classification Sherloc (09022015). Collection method: clinical testing. Allele origin: germline.
Comment: This sequence change replaces proline, which is neutral and non-polar, with serine, which is neutral and polar, at codon 480 of the SMAD4 protein (p.Pro480Ser). This variant is not present in population databases (gnomAD no frequency). This variant has not been reported in the literature in individuals affected with SMAD4-related conditions. ClinVar contains an entry for this variant (Variation ID: 490152). Advanced modeling of protein sequence and biophysical properties (such as structural, functional, and spatial information, amino acid conservation, physicochemical variation, residue mobility, and thermodynamic stability) has been performed at Invitae for this missense variant, however the output from this modeling did not meet the statistical confidence thresholds required to predict the impact of this variant on SMAD4 protein function. In summary, the available evidence is currently insufficient to determine the role of this variant in disease. Therefore, it has been classified as a Variant of Uncertain Significance.

Color Diagnostics, LLC DBA Color Health
Classification: Uncertain significance for Hereditary cancer-predisposing syndrome. Last evaluated: 2019-04-03. Review status: criteria provided, single submitter. Criteria: ACMG Guidelines, 2015. Collection method: clinical testing. Allele origin: germline.

NM_005359.6(SMAD4):c.1438C>T (p.Pro480Ser)

Gene: SMAD4 (SMAD family member 4; plus strand). Cytogenetic location: 18q21.2.
Variant type: single nucleotide variant.
Coding change: c.1438C>T on transcript NM_005359.6 (MANE Select); coding-DNA position 1438, C replaced by T.
Protein change: p.Pro480Ser; replaces proline 480 with serine.
Molecular consequence: missense variant.
Genome position (GRCh38, 1-based): chr18:51,076,767, C>T. VCF-style: chr18-51076767-C-T. GRCh37 (hg19) VCF-style: chr18-48603137-C-T.
Other names: short protein forms P480S.
Identifiers: ClinVar variation 490152 (VCV000490152.7), dbSNP rs1555687390, ClinGen allele CA402465377.
Genomic context (GRCh38, chr18:51,076,767, plus strand): 5'-GCCCAGGCAGCAGCCGTGGCAGGAAACATCCCTGGCCCAGGATCAGTAGGTGGAATAGCT[C>T]CAGCTATCAGTAAGTATGCTTTTCATTCTTTTTTAAAGGTATAATAGTTGATATTTTTAT-3'
Protein context (NP_005350.1, residues 470-490): PGPGSVGGIA[Pro480Ser]AISLSAAAGI